The following is an entry in ClinVar:

ClinVar aggregate classification (germline): Pathogenic (1 of 4 stars; one submission).

Conditions:
Marfan syndrome (MFS). Also called: MARFAN SYNDROME, TYPE I; FBN1-Related Marfan Syndrome; Marfan syndrome type 1; Marfan's syndrome; Marfan syndrome, classic. Identifiers: Orphanet 284963, Orphanet 558, MedGen C0024796, MONDO:0007947, OMIM 154700.
Familial thoracic aortic aneurysm and aortic dissection (TAAD). Also called: Thoracic aortic aneurysms and dissections. Identifiers: Orphanet 91387, MedGen C4707243, MONDO:0019625.

Submission:

Labcorp Genetics (formerly Invitae), Labcorp
Classification: Pathogenic for Marfan syndrome; Familial thoracic aortic aneurysm and aortic dissection. Last evaluated: 2018-03-13. Review status: criteria provided, single submitter. Criteria: Invitae Variant Classification Sherloc (09022015). Collection method: clinical testing. Allele origin: germline.
Comment: This variant has not been reported in the literature in individuals with FBN1-related disease. This variant is a gross deletion of the genomic region encompassing exons 2-15 of the FBN1 gene, which includes the initiator codon. The 5' end of this event is unknown as it extends beyond the assayed region for this gene and therefore may encompass additional genes. The 3' boundary is likely confined to intron 15 of the FBN1 gene. This is expected to result in an absent or disrupted protein product. Loss-of-function variants in FBN1 are known to be pathogenic (PMID: 17657824, 19293843). For these reasons, this variant has been classified as Pathogenic.

Literature cited by the submitters: PubMed 17657824; PubMed 19293843.

NC_000015.10:g.(?_48508562)_(48644789_?)del

Genes: FBN1 (fibrillin 1; minus strand), LOC113939944 (Sharpr-MPRA regulatory region 9539; plus strand), LOC126862125 (CDK7 strongly-dependent group 2 enhancer GRCh37_chr15:48821930-48823129; plus strand), LOC130057018 (ATAC-STARR-seq lymphoblastoid active region 9375; plus strand), LOC130057019 (ATAC-STARR-seq lymphoblastoid silent region 6417; plus strand). Cytogenetic location: 15q21.1.
Variant type: Deletion.
Identifiers: ClinVar variation 457156 (VCV000457156.7).